The following is an entry in ClinVar:

NM_144670.6(A2ML1):c.2282C>A (p.Thr761Asn)

Gene: A2ML1 (alpha-2-macroglobulin like 1; plus strand). Cytogenetic location: 12p13.31.
Variant type: single nucleotide variant.
Coding change: c.2282C>A on transcript NM_144670.6 (MANE Select); coding-DNA position 2282, C replaced by A.
Protein change: p.Thr761Asn; replaces threonine 761 with asparagine.
Molecular consequence: missense variant.
Genome position (GRCh38, 1-based): chr12:8,851,831, C>A. VCF-style: chr12-8851831-C-A. GRCh37 (hg19) VCF-style: chr12-9004427-C-A.
Other names: c.809C>A, p.Thr270Asn (NM_001282424.3); short protein forms T270N, T761N.
Identifiers: ClinVar variation 3229191 (VCV003229191.3), dbSNP rs1479353715, ClinGen allele CA383833157.

ClinVar aggregate classification (germline): Uncertain significance. Review status: criteria provided, multiple submitters, no conflicts (2 of 4 stars). 2 submissions from 2 submitters: Uncertain significance (2). Last evaluated 2024-08-29.

Allele frequency attached by ClinVar (database versions not stated): gnomAD exomes 0.00001.
gnomAD v4.1: 5 of 1,614,210 alleles (0.00031%); highest among the groups gnomAD compares: Admixed American, 0.0017%; no homozygotes.

Submissions (2):

Labcorp Genetics (formerly Invitae), Labcorp
Classification: Uncertain significance. Last evaluated: 2024-08-29. Review status: criteria provided, single submitter. Criteria: Invitae Variant Classification Sherloc (09022015). Collection method: clinical testing. Allele origin: germline.
Comment: This sequence change replaces threonine, which is neutral and polar, with asparagine, which is neutral and polar, at codon 761 of the A2ML1 protein (p.Thr761Asn). This variant is present in population databases (no rsID available, gnomAD 0.003%). This variant has not been reported in the literature in individuals affected with A2ML1-related conditions. An algorithm developed to predict the effect of missense changes on protein structure and function (PolyPhen-2) suggests that this variant is likely to be disruptive. In summary, the available evidence is currently insufficient to determine the role of this variant in disease. Therefore, it has been classified as a Variant of Uncertain Significance.

Ambry Genetics
Classification: Uncertain significance. Last evaluated: 2023-11-25. Review status: criteria provided, single submitter. Criteria: Ambry Variant Classification Scheme 2023. Collection method: clinical testing. Allele origin: germline.
Comment: The p.T761N variant (also known as c.2282C>A), located in coding exon 19 of the A2ML1 gene, results from a C to A substitution at nucleotide position 2282. The threonine at codon 761 is replaced by asparagine, an amino acid with similar properties. This amino acid position is conserved. In addition, the in silico prediction for this alteration is inconclusive. Since supporting evidence is limited at this time, the clinical significance of this alteration remains unclear.